The following is an entry in ClinVar:

NM_000535.7(PMS2):c.2446-6A>G

Gene: PMS2 (PMS1 homolog 2, mismatch repair system component; minus strand). Cytogenetic location: 7p22.1.
Variant type: single nucleotide variant.
Coding change: c.2446-6A>G on transcript NM_000535.7 (MANE Select); 6 bases into the intron before coding-DNA position 2446, A replaced by G.
Molecular consequence: intron variant.
Genome position (GRCh38, 1-based): chr7:5,973,548, T>C on the plus strand (A>G on the coding strand, the complement: PMS2 is on the minus strand). VCF-style: chr7-5973548-T-C. GRCh37 (hg19) VCF-style: chr7-6013179-T-C.
Other names: c.2128-6A>G (NM_001322008.2, NM_001322007.2); c.1885-6A>G (NM_001322010.2); c.2041-6A>G (NM_001322004.2, NM_001322003.2, NM_001322005.2); c.1873-6A>G (NM_001322013.2); c.1513-6A>G (NM_001322012.2, NM_001322011.2); c.2137-6A>G (NM_001322015.2); c.2290-6A>G (NM_001322006.2); c.2479-6A>G (NM_001322014.2); and 1 more.
Identifiers: ClinVar variation 513824 (VCV000513824.12), dbSNP rs1554292905, ClinGen allele CA658796880.
Genomic context (GRCh38, chr7:5,973,548, plus strand): 5'-TGTGGGTGATCAGTTTCTTCATCTCGCTTGTGTTAAGAGCAGTCCCAATCATCACCTGAG[T>C]GTGAGACACAATGGTTCAACGTTTTAGTAGTTTTTTGACGTCAGAATGGCAGCTCTTCAG-3'

ClinVar aggregate classification (germline): Likely benign. Review status: criteria provided, multiple submitters, no conflicts (2 of 4 stars). 3 submissions from 3 submitters: Likely benign (3). Last evaluated 2025-09-27.

Conditions:
Hereditary nonpolyposis colorectal neoplasms. Identifiers: MedGen C0009405, MeSH D003123.
Lynch syndrome 4 (LYNCH4). Also called: Hereditary non-polyposis colorectal cancer, type 4; Colorectal cancer, hereditary nonpolyposis, type 4. Identifiers: Orphanet 144, MedGen C1838333, MONDO:0013699, OMIM 614337. Disease mechanism: loss of function.

Submissions (3):

Labcorp Genetics (formerly Invitae), Labcorp
Classification: Likely benign for Hereditary nonpolyposis colorectal neoplasms. Last evaluated: 2025-09-27. Review status: criteria provided, single submitter. Criteria: Invitae Variant Classification Sherloc (09022015). Collection method: clinical testing. Allele origin: germline.

Myriad Genetics, Inc.
Classification: Likely benign for Lynch syndrome 4. Last evaluated: 2025-02-04. Review status: criteria provided, single submitter. Criteria: Myriad Autosomal Dominant, Autosomal Recessive and X-Linked Classification Criteria (2023). Collection method: clinical testing. Allele origin: unknown.
Comment: This variant is considered likely benign. This variant is intronic and is not expected to impact mRNA splicing.

GeneDx
Classification: Likely benign. Last evaluated: 2017-12-05. Review status: criteria provided, single submitter. Criteria: GeneDx Variant Classification (06012015). Collection method: clinical testing. Allele origin: germline. Affected: yes.
Comment: This variant is considered likely benign or benign based on one or more of the following criteria: it is a conservative change, it occurs at a poorly conserved position in the protein, it is predicted to be benign by multiple in silico algorithms, and/or has population frequency not consistent with disease.